The following is an entry in ClinVar:

NM_001744.6(CAMK4):c.523C>G (p.Pro175Ala)

Gene: CAMK4 (calcium/calmodulin dependent protein kinase IV; plus strand). Cytogenetic location: 5q22.1.
Variant type: single nucleotide variant.
Coding change: c.523C>G on transcript NM_001744.6 (MANE Select); coding-DNA position 523, C replaced by G.
Protein change: p.Pro175Ala; replaces proline 175 with alanine.
Molecular consequence: missense variant. On other transcripts: 5 prime UTR variant (2).
Genome position (GRCh38, 1-based): chr5:111,446,749, C>G. VCF-style: chr5-111446749-C-G. GRCh37 (hg19) VCF-style: chr5-110782447-C-G.
Other names: c.523C>G, p.Pro175Ala (NM_001323374.2, NM_001323375.2); c.-69C>G (NM_001323376.2, NM_001323377.2); short protein forms P175A.
Identifiers: ClinVar variation 4070759 (VCV004070759.1).

ClinVar aggregate classification (germline): Uncertain significance (1 of 4 stars; one submission).

Submission:

GeneDx
Classification: Uncertain significance. Last evaluated: 2025-01-21. Review status: criteria provided, single submitter. Criteria: GeneDx Variant Classification Process June 2021. Collection method: clinical testing. Allele origin: germline. Affected: yes.
Comment: Not observed at significant frequency in large population cohorts (gnomAD); In silico analysis supports that this missense variant has a deleterious effect on protein structure/function; Has not been previously published as pathogenic or benign to our knowledge